The following is an entry in ClinVar:

ClinVar aggregate classification (germline): Uncertain significance (1 of 4 stars; one submission).

Allele frequency attached by ClinVar (database versions not stated): TOPMed below 0.00001; gnomAD 0.00001; ExAC 0.00002.
gnomAD v4.1: 22 of 1,613,712 alleles (0.0014%); highest among the groups gnomAD compares: East Asian, 0.0022%; no homozygotes.

Submission:

GeneDx
Classification: Uncertain significance. Last evaluated: 2022-08-30. Review status: criteria provided, single submitter. Criteria: GeneDx Variant Classification Process June 2021. Collection method: clinical testing. Allele origin: germline. Affected: yes.
Comment: In silico analysis supports that this missense variant does not alter protein structure/function; Has not been previously published as pathogenic or benign to our knowledge

NM_001287491.2(TET3):c.1858C>G (p.Leu620Val)

Gene: TET3 (tet methylcytosine dioxygenase 3; plus strand). Cytogenetic location: 2p13.1.
Variant type: single nucleotide variant.
Coding change: c.1858C>G on transcript NM_001287491.2 (MANE Select); coding-DNA position 1858, C replaced by G.
Protein change: p.Leu620Val; replaces leucine 620 with valine.
Molecular consequence: missense variant.
Genome position (GRCh38, 1-based): chr2:74,047,775, C>G. VCF-style: chr2-74047775-C-G. GRCh37 (hg19) VCF-style: chr2-74274902-C-G.
Other names: c.1579C>G, p.Leu527Val (NM_001366022.1); c.1453C>G, p.Leu485Val (NM_144993.1); short protein forms L485V, L527V, L620V.
Identifiers: ClinVar variation 2442687 (VCV002442687.1), dbSNP rs760000908, ClinGen allele CA1718696.